The following is an entry in ClinVar:

ClinVar aggregate classification (germline): Likely pathogenic. Review status: criteria provided, multiple submitters, no conflicts (2 of 4 stars). 2 submissions from 2 submitters: Likely pathogenic (2). Last evaluated 2024-12-27.

Conditions:
Chronic granulomatous disease. Identifiers: Orphanet 379, MedGen C0018203, MONDO:0018305.
Granulomatous disease, chronic, autosomal recessive, cytochrome b-negative. Also called: GRANULOMATOUS DISEASE, CHRONIC, AUTOSOMAL RECESSIVE, 4; CGD DUE TO DEFICIENCY OF THE ALPHA SUBUNIT OF CYTOCHROME b; CGD, AUTOSOMAL RECESSIVE CYTOCHROME b-NEGATIVE; CYBA DEFICIENCY; Chronic granulomatous disease, autosomal, due to deficiency of CYBA. Identifiers: Orphanet 379, MedGen C1856255, MONDO:0009308, OMIM 233690.

Allele frequency attached by ClinVar (database versions not stated): gnomAD exomes below 0.00001; TOPMed below 0.00001.
gnomAD v4.1: 4 of 1,612,152 alleles (0.00025%); highest among the groups gnomAD compares: Non-Finnish European, 0.00034%; no homozygotes.

Submissions (2):

Natera, Inc.
Classification: Likely pathogenic for Chronic granulomatous disease. Last evaluated: 2024-12-27. Review status: criteria provided, single submitter. Criteria: Natera Variant Classification Schema (03/2026). Collection method: clinical testing. Allele origin: germline.
Comment: The c.128+2T>C variant in CYBA is a canonical splice donor site variant predicted to affect pre-mRNA splicing, which may result in an abnormal transcript and altered protein product. This variant is expected to result in nonsense mediated decay, truncation, or a dysfunctional protein product. This variant is rare in the general population with a frequency below the threshold expected for the associated phenotype(s). Given the available evidence, this variant is classified as Likely Pathogenic.

Labcorp Genetics (formerly Invitae), Labcorp
Classification: Likely pathogenic for Granulomatous disease, chronic, autosomal recessive, cytochrome b-negative. Last evaluated: 2023-05-30. Review status: criteria provided, single submitter. Criteria: Invitae Variant Classification Sherloc (09022015). Collection method: clinical testing. Allele origin: germline.
Comment: In summary, the currently available evidence indicates that the variant is pathogenic, but additional data are needed to prove that conclusively. Therefore, this variant has been classified as Likely Pathogenic. Algorithms developed to predict the effect of sequence changes on RNA splicing suggest that this variant may disrupt the consensus splice site. ClinVar contains an entry for this variant (Variation ID: 1066762). This variant has not been reported in the literature in individuals affected with CYBA-related conditions. This variant is not present in population databases (gnomAD no frequency). This sequence change affects a donor splice site in intron 2 of the CYBA gene. It is expected to disrupt RNA splicing. Variants that disrupt the donor or acceptor splice site typically lead to a loss of protein function (PMID: 16199547), and loss-of-function variants in CYBA are known to be pathogenic (PMID: 10910929, 20167518, 22876374).

Literature cited by the submitters: PubMed 16199547 (cited by Labcorp Genetics (formerly Invitae), Labcorp); PubMed 10910929 (cited by Labcorp Genetics (formerly Invitae), Labcorp); PubMed 20167518 (cited by Labcorp Genetics (formerly Invitae), Labcorp); PubMed 22876374 (cited by Labcorp Genetics (formerly Invitae), Labcorp).

NM_000101.4(CYBA):c.128+2T>C

Gene: CYBA (cytochrome b-245 alpha chain; minus strand). Cytogenetic location: 16q24.2.
Variant type: single nucleotide variant.
Coding change: c.128+2T>C on transcript NM_000101.4 (MANE Select); the canonical splice donor site of the intron after coding-DNA position 128, T replaced by C.
Molecular consequence: splice donor variant.
Genome position (GRCh38, 1-based): chr16:88,648,043, A>G on the plus strand (T>C on the coding strand, the complement: CYBA is on the minus strand). VCF-style: chr16-88648043-A-G. GRCh37 (hg19) VCF-style: chr16-88714451-A-G.
Other names: c.128+2T>C (NM_000101.3).
Identifiers: ClinVar variation 1066762 (VCV001066762.9), dbSNP rs1191361764, ClinGen allele CA397065847.
Genomic context (GRCh38, chr16:88,648,043, plus strand): 5'-AGTGGCTCCCCAGCTCTGCCCTGGGCGTTCCCCGCCCACCCCAGCCTCAGGTGGAAGGAT[A>G]CATGGAGTAGGCACCAAAGTACCACTGGGTGAAGCGCCCAGCTGTGGCCACGATGCCCCC-3'